The following is an entry in ClinVar:

NM_001042492.3(NF1):c.7320A>G (p.Ala2440=)

Gene: NF1 (neurofibromin 1; plus strand). Cytogenetic location: 17q11.2.
Variant type: single nucleotide variant.
Coding change: c.7320A>G on transcript NM_001042492.3 (MANE Select); coding-DNA position 7320, A replaced by G.
Protein change: p.Ala2440=; no amino-acid change (alanine 2440 retained).
Molecular consequence: synonymous variant.
Genome position (GRCh38, 1-based): chr17:31,349,250, A>G. VCF-style: chr17-31349250-A-G. GRCh37 (hg19) VCF-style: chr17-29676268-A-G.
Other names: c.7257A>G, p.Ala2419= (NM_000267.4).
Identifiers: ClinVar variation 4860893 (VCV004860893.1).

ClinVar aggregate classification (germline): Uncertain significance (1 of 4 stars; one submission).

Conditions:
Cardiovascular phenotype. Identifiers: MedGen CN230736.
Hereditary cancer-predisposing syndrome. Also called: Neoplastic Syndromes, Hereditary; Tumor predisposition; Hereditary Cancer Syndrome; Hereditary neoplastic syndrome. Identifiers: Orphanet 140162, MedGen C0027672, MeSH D009386, MONDO:0015356.

Submission:

Ambry Genetics
Classification: Uncertain significance for Cardiovascular phenotype; Hereditary cancer-predisposing syndrome. Last evaluated: 2026-04-02. Review status: criteria provided, single submitter. Criteria: Ambry Variant Classification Scheme 2023. Collection method: clinical testing. Allele origin: germline.
Comment: The c.7257A>G variant (also known as p.A2419A), located in coding exon 48 of the NF1 gene, results from an A to G substitution at nucleotide position 7257. This nucleotide substitution does not change the alanine at codon 2419. This nucleotide position is well conserved in available vertebrate species. In silico splice site analysis for this alteration is inconclusive. RNA studies have demonstrated that this variant results in an incomplete splice defect; the clinical impact of this abnormal splicing is unknown at this time (Ambry internal data). Based on the available evidence, the clinical significance of this variant remains unclear.